The following is an entry in ClinVar:

ClinVar aggregate classification (germline): Uncertain significance. Review status: criteria provided, multiple submitters, no conflicts (2 of 4 stars). 2 submissions from 2 submitters: Uncertain significance (2). Last evaluated 2025-11-26.

Conditions:
Inborn genetic diseases. Identifiers: MedGen C0950123, MeSH D030342.

Submissions (2):

Ambry Genetics
Classification: Uncertain significance for Inborn genetic diseases. Last evaluated: 2025-11-26. Review status: criteria provided, single submitter. Criteria: Ambry Variant Classification Scheme 2023. Collection method: clinical testing. Allele origin: germline.

Labcorp Genetics (formerly Invitae), Labcorp
Classification: Uncertain significance. Last evaluated: 2024-02-19. Review status: criteria provided, single submitter. Criteria: Invitae Variant Classification Sherloc (09022015). Collection method: clinical testing. Allele origin: germline.
Comment: This sequence change replaces arginine, which is basic and polar, with glutamine, which is neutral and polar, at codon 288 of the LEMD3 protein (p.Arg288Gln). This variant is not present in population databases (gnomAD no frequency). This variant has not been reported in the literature in individuals affected with LEMD3-related conditions. Advanced modeling of protein sequence and biophysical properties (such as structural, functional, and spatial information, amino acid conservation, physicochemical variation, residue mobility, and thermodynamic stability) performed at Invitae indicates that this missense variant is not expected to disrupt LEMD3 protein function with a negative predictive value of 80%. In summary, the available evidence is currently insufficient to determine the role of this variant in disease. Therefore, it has been classified as a Variant of Uncertain Significance.

NM_014319.5(LEMD3):c.863G>A (p.Arg288Gln)

Gene: LEMD3 (LEM domain containing 3; plus strand). Cytogenetic location: 12q14.3.
Variant type: single nucleotide variant.
Coding change: c.863G>A on transcript NM_014319.5 (MANE Select); coding-DNA position 863, G replaced by A.
Protein change: p.Arg288Gln; replaces arginine 288 with glutamine.
Molecular consequence: missense variant.
Genome position (GRCh38, 1-based): chr12:65,170,459, G>A. VCF-style: chr12-65170459-G-A. GRCh37 (hg19) VCF-style: chr12-65564239-G-A.
Other names: c.863G>A, p.Arg288Gln (NM_001167614.2); c.863G>A (NM_014319.4); short protein forms R288Q.
Identifiers: ClinVar variation 3009806 (VCV003009806.4), dbSNP rs2498939660, ClinGen allele CA385674314.